The following is an entry in ClinVar:

NM_032108.4(SEMA6B):c.48G>T (p.Leu16=)

Gene: SEMA6B (semaphorin 6B; minus strand). Cytogenetic location: 19p13.3.
Variant type: single nucleotide variant.
Coding change: c.48G>T on transcript NM_032108.4 (MANE Select); coding-DNA position 48, G replaced by T.
Protein change: p.Leu16=; no amino-acid change (leucine 16 retained).
Molecular consequence: synonymous variant.
Genome position (GRCh38, 1-based): chr19:4,558,410, C>A on the plus strand (G>T on the coding strand, the complement: SEMA6B is on the minus strand). VCF-style: chr19-4558410-C-A. GRCh37 (hg19) VCF-style: chr19-4558422-C-A.
Identifiers: ClinVar variation 781421 (VCV000781421.7), dbSNP rs115168835, ClinGen allele CA9103045.

ClinVar aggregate classification (germline): Benign. Review status: criteria provided, multiple submitters, no conflicts (2 of 4 stars). 3 submissions from 3 submitters: Benign (2). 1 of the submissions does not count toward it. Last evaluated 2019-12-31.

Conditions:
SEMA6B-related disorder. Also called: SEMA6B-related condition.

Allele frequency attached by ClinVar (database versions not stated): ExAC 0.00736; ESP Exome Variant Server 0.01361; 1000 Genomes Project 30x 0.01874; gnomAD 0.01896 and 0.01759; TOPMed 0.01941; gnomAD exomes 0.00146 and 0.00294; 1000 Genomes Project 0.01877.
gnomAD v4.1: 4,361 of 1,267,290 alleles (0.34%); highest among the groups gnomAD compares: African/African-American, 6.2%; 144 homozygotes.

Submissions (3):

Labcorp Genetics (formerly Invitae), Labcorp
Classification: Benign. Last evaluated: 2019-12-31. Review status: criteria provided, single submitter. Criteria: Invitae Variant Classification Sherloc (09022015). Collection method: clinical testing. Allele origin: germline.

Breakthrough Genomics
Classification: Benign. Review status: criteria provided, single submitter. Criteria: ACMG Guidelines, 2015. Collection method: not provided. Allele origin: germline. Inheritance: Autosomal dominant inheritance. Affected: yes.

PreventionGenetics, part of Exact Sciences
Classification: Benign for SEMA6B-related condition. Last evaluated: 2022-12-20. Review status: no assertion criteria provided. Collection method: clinical testing. Allele origin: germline. Not counted in ClinVar's aggregate classification.
Comment: This variant is classified as benign based on ACMG/AMP sequence variant interpretation guidelines (Richards et al. 2015 PMID: 25741868, with internal and published modifications).